The following is an entry in ClinVar:

NM_001003787.4(STRADA):c.107G>T (p.Gly36Val)

Gene: STRADA (STE20 related adaptor alpha; minus strand). Cytogenetic location: 17q23.3.
Variant type: single nucleotide variant.
Coding change: c.107G>T on transcript NM_001003787.4 (MANE Select); coding-DNA position 107, G replaced by T.
Protein change: p.Gly36Val; replaces glycine 36 with valine.
Molecular consequence: missense variant. On other transcripts: non-coding transcript variant (1), intron variant (9).
Genome position (GRCh38, 1-based): chr17:63,723,314, C>A on the plus strand (G>T on the coding strand, the complement: STRADA is on the minus strand). VCF-style: chr17-63723314-C-A. GRCh37 (hg19) VCF-style: chr17-61800674-C-A.
Other names: c.83G>T, p.Gly28Val (NM_001363786.1); c.107G>T, p.Gly36Val (NM_001363788.1); c.12+5044G>T (NM_001363789.1, NM_001003786.3, NM_153335.6); c.-52+3324G>T (NM_001363790.1, NM_001363791.1, NM_001003788.3); c.36+5020G>T (NM_001165969.2, NM_001363787.1); c.94+3324G>T (NM_001165970.2); short protein forms G28V, G36V.
Identifiers: ClinVar variation 1434161 (VCV001434161.8), dbSNP rs777105928, ClinGen allele CA8703509.

ClinVar aggregate classification (germline): Uncertain significance (1 of 4 stars; one submission).

Conditions:
Polyhydramnios, megalencephaly, and symptomatic epilepsy (PMSE). Also called: PMSE SYNDROME. Identifiers: Orphanet 500533, MedGen C1970203, MONDO:0012611, OMIM 611087.

Allele frequency attached by ClinVar (database versions not stated): ExAC 0.00001; gnomAD 0.00001; gnomAD exomes 0.00001 and 0.00002.

Submission:

Labcorp Genetics (formerly Invitae), Labcorp
Classification: Uncertain significance for Polyhydramnios, megalencephaly, and symptomatic epilepsy. Last evaluated: 2023-07-07. Review status: criteria provided, single submitter. Criteria: Invitae Variant Classification Sherloc (09022015). Collection method: clinical testing. Allele origin: germline.
Comment: In summary, the available evidence is currently insufficient to determine the role of this variant in disease. Therefore, it has been classified as a Variant of Uncertain Significance. This sequence change replaces glycine, which is neutral and non-polar, with valine, which is neutral and non-polar, at codon 36 of the STRADA protein (p.Gly36Val). This variant is present in population databases (rs777105928, gnomAD 0.01%). This variant has not been reported in the literature in individuals affected with STRADA-related conditions. ClinVar contains an entry for this variant (Variation ID: 1434161). An algorithm developed to predict the effect of missense changes on protein structure and function (PolyPhen-2) suggests that this variant is likely to be tolerated.